The following is an entry in ClinVar:

ClinVar aggregate classification (germline): Pathogenic (1 of 4 stars; one submission).

Conditions:
Hereditary cancer-predisposing syndrome. Also called: Neoplastic Syndromes, Hereditary; Tumor predisposition; Hereditary neoplastic syndrome; Hereditary Cancer Syndrome. Identifiers: Orphanet 140162, MedGen C0027672, MeSH D009386, MONDO:0015356.

Submission:

Ambry Genetics
Classification: Pathogenic for Hereditary cancer-predisposing syndrome. Last evaluated: 2024-02-02. Review status: criteria provided, single submitter. Criteria: Ambry Variant Classification Scheme 2023. Collection method: clinical testing. Allele origin: germline.
Comment: The c.1522dupT pathogenic mutation, located in coding exon 17 of the RB1 gene, results from a duplication of T at nucleotide position 1522, causing a translational frameshift with a predicted alternate stop codon (p.S508Ffs*15). This variant has been observed in at least one individual with a personal history that is consistent with RB1-related hereditary retinoblastoma (Ambry internal data). This alteration is expected to result in loss of function by premature protein truncation or nonsense-mediated mRNA decay. As such, this alteration is interpreted as a disease-causing mutation.

NM_000321.3(RB1):c.1522dup (p.Ser508fs)

Gene: RB1 (RB transcriptional corepressor 1; plus strand). Cytogenetic location: 13q14.2.
Variant type: Duplication.
Coding change: c.1522dup on transcript NM_000321.3 (MANE Select); coding-DNA position 1522, one base duplicated (T; older notation c.1522dupT).
Protein change: p.Ser508fs; shifts the reading frame from serine 508.
Molecular consequence: frameshift variant.
Genome position (GRCh38, 1-based): chr13:48,381,270, T duplicated; the last of 2 consecutive T bases (chr13:48,381,269-48,381,270); duplicating either gives the same sequence. VCF-style (leftmost placement, unchanged base first): chr13-48381268-A-AT. GRCh37 (hg19) VCF-style: chr13-48955404-A-AT.
Other names: c.1522dup, p.Ser508fs (NM_001407165.1, NM_001407166.1); c.1522dupT (NM_000321.2); short protein forms S508fs.
Identifiers: ClinVar variation 3231191 (VCV003231191.1), dbSNP rs2542206509, ClinGen allele CA2825002183.